The following is an entry in ClinVar:

NM_000540.3(RYR1):c.10922T>C (p.Leu3641Pro)

Gene: RYR1 (ryanodine receptor 1; plus strand). Cytogenetic location: 19q13.2.
Variant type: single nucleotide variant.
Coding change: c.10922T>C on transcript NM_000540.3 (MANE Select); coding-DNA position 10922, T replaced by C.
Protein change: p.Leu3641Pro; replaces leucine 3641 with proline.
Molecular consequence: missense variant.
Genome position (GRCh38, 1-based): chr19:38,528,403, T>C. VCF-style: chr19-38528403-T-C. GRCh37 (hg19) VCF-style: chr19-39019043-T-C.
Other names: c.10907T>C, p.Leu3636Pro (NM_001042723.2); short protein forms L3641P, L3636P.
Identifiers: ClinVar variation 478155 (VCV000478155.10), dbSNP rs1555791151, ClinGen allele CA405649640.

ClinVar aggregate classification (germline): Likely pathogenic (1 of 4 stars; one submission).

Conditions:
RYR1-related disorder. Also called: RYR1-related condition; RYR1-related disorders. Identifiers: MedGen CN239331.

Allele frequency attached by ClinVar (database versions not stated): gnomAD exomes below 0.00001.
gnomAD v4.1: 1 of 1,614,090 alleles (0.000062%); highest among the groups gnomAD compares: Non-Finnish European, 0.000085%; no homozygotes.

Submission:

Labcorp Genetics (formerly Invitae), Labcorp
Classification: Likely pathogenic for RYR1-related disorder. Last evaluated: 2023-03-23. Review status: criteria provided, single submitter. Criteria: Invitae Variant Classification Sherloc (09022015). Collection method: clinical testing. Allele origin: germline.
Comment: In summary, the currently available evidence indicates that the variant is pathogenic, but additional data are needed to prove that conclusively. Therefore, this variant has been classified as Likely Pathogenic. Advanced modeling of protein sequence and biophysical properties (such as structural, functional, and spatial information, amino acid conservation, physicochemical variation, residue mobility, and thermodynamic stability) performed at Invitae indicates that this missense variant is expected to disrupt RYR1 protein function. ClinVar contains an entry for this variant (Variation ID: 478155). This missense change has been observed in individual(s) with autosomal recessive RYR1-related conditions (Invitae). In at least one individual the data is consistent with being in trans (on the opposite chromosome) from a pathogenic variant. This variant is not present in population databases (gnomAD no frequency). This sequence change replaces leucine, which is neutral and non-polar, with proline, which is neutral and non-polar, at codon 3641 of the RYR1 protein (p.Leu3641Pro).